The following is an entry in ClinVar:

ClinVar aggregate classification (germline): Likely benign (1 of 4 stars; one submission).

gnomAD v4.1: 1,256 of 221,840 alleles (0.57%); highest among the groups gnomAD compares: Admixed American, 0.96%; 10 homozygotes.

Submission:

CeGaT Center for Human Genetics Tuebingen
Classification: Likely benign. Last evaluated: 2026-06-01. Review status: criteria provided, single submitter. Criteria: CeGaT Center For Human Genetics Tuebingen Variant Classification Criteria Version 2. Collection method: clinical testing. Allele origin: germline. Affected: yes. Observed: 4 variant alleles.
Comment: IFT81: BP4, BS2

NM_014055.4(IFT81):c.1188+4875C>T

Gene: IFT81 (intraflagellar transport 81; plus strand). Cytogenetic location: 12q24.11.
Variant type: single nucleotide variant.
Coding change: c.1188+4875C>T on transcript NM_014055.4 (MANE Select); 4875 bases into the intron after coding-DNA position 1188, C replaced by T.
Molecular consequence: intron variant. On other transcripts: missense variant (2).
Genome position (GRCh38, 1-based): chr12:110,167,940, C>T. VCF-style: chr12-110167940-C-T. GRCh37 (hg19) VCF-style: chr12-110605745-C-T.
Other names: c.1258C>T, p.Leu420Phe (NM_001347946.2, NM_031473.4); c.258+4875C>T (NM_001347948.2, NM_001347947.2); c.1188+4875C>T (NM_001143779.2); short protein forms L420F.
Identifiers: ClinVar variation 3904812 (VCV003904812.10).
Genomic context (GRCh38, chr12:110,167,940, plus strand): 5'-CTCACTCTGTCACCCAGGCTGGAGTGCGGTGGTGTGATCATGGCTTACTGCAGCCTGAAA[C>T]TCCTAGGCTCAAGTGATCCTCCTACCTCAGCCTCCTGAGAAGCTCGGACTACAGGCACGA-3'